The following is an entry in ClinVar:

NM_017934.7(PHIP):c.189+1G>C

Genes: PHIP (PHIP subunit of CUL4-Ring ligase complex; minus strand), LOC129996744 (ATAC-STARR-seq lymphoblastoid silent region 17345; plus strand). Cytogenetic location: 6q14.1.
Variant type: single nucleotide variant.
Coding change: c.189+1G>C on transcript NM_017934.7 (MANE Select); the canonical splice donor site of the intron after coding-DNA position 189, G replaced by C.
Molecular consequence: splice donor variant.
Genome position (GRCh38, 1-based): chr6:79,077,447, C>G on the plus strand (G>C on the coding strand, the complement: PHIP is on the minus strand). VCF-style: chr6-79077447-C-G. GRCh37 (hg19) VCF-style: chr6-79787164-C-G.
Identifiers: ClinVar variation 1879666 (VCV001879666.29), dbSNP rs2482422108, ClinGen allele CA364652290.
Genomic context (GRCh38, chr6:79,077,447, plus strand): 5'-AAATTCAATTTTTATTCGACTCAGGGAAAAGTTTCTTTGCTCTGCGACGTGAATGTCTCA[C>G]CAGATTCTGGTAGGTCCTGGGATGCTCCTTCCCGGTCCAGTCGGTGCGCCGGGGCAGCAG-3'

ClinVar aggregate classification (germline): Uncertain significance (1 of 4 stars; one submission).

Submission:

CeGaT Center for Human Genetics Tuebingen
Classification: Uncertain significance. Last evaluated: 2022-12-01. Review status: criteria provided, single submitter. Criteria: CeGaT Center For Human Genetics Tuebingen Variant Classification Criteria Version 2. Collection method: clinical testing. Allele origin: germline. Affected: yes. Observed: 1 variant allele.
Comment: PHIP: PM2, PVS1:Moderate